The following is an entry in ClinVar:

ClinVar aggregate classification (germline): Conflicting classifications of pathogenicity. Review status: criteria provided, conflicting classifications (1 of 4 stars). 4 submissions from 4 submitters: Uncertain significance (3); Likely benign (1). Last evaluated 2026-01-14.

Conditions:
ADGRV1-related disorder. Also called: ADGRV1-related condition; ADGRV1-related disorders.

Allele frequency attached by ClinVar (database versions not stated): gnomAD exomes 0.00002; gnomAD 0.00003; ESP Exome Variant Server 0.00008.
gnomAD v4.1: 26 of 1,613,254 alleles (0.0016%); highest among the groups gnomAD compares: East Asian, 0.0022%; no homozygotes.

Submissions (4):

Labcorp Genetics (formerly Invitae), Labcorp
Classification: Likely benign. Last evaluated: 2026-01-14. Review status: criteria provided, single submitter. Criteria: Invitae Variant Classification Sherloc (09022015). Collection method: clinical testing. Allele origin: germline.

PreventionGenetics, part of Exact Sciences
Classification: Uncertain significance for ADGRV1-related condition. Last evaluated: 2025-07-03. Review status: criteria provided, single submitter. Criteria: ACMG Guidelines, 2015. Collection method: clinical testing. Allele origin: germline.
Comment: The ADGRV1 c.2438G>A variant is predicted to result in the amino acid substitution p.Arg813Gln. To our knowledge, this variant has not been reported in the literature. This variant is reported in 0.0056% of alleles in individuals of East Asian descent in gnomAD. At this time, the clinical significance of this variant is uncertain due to the absence of conclusive functional and genetic evidence.

Blueprint Genetics
Classification: Uncertain significance. Last evaluated: 2024-10-15. Review status: criteria provided, single submitter. Criteria: ACMG Guidelines, 2015. Collection method: clinical testing. Allele origin: germline.

GeneDx
Classification: Uncertain significance. Last evaluated: 2024-10-04. Review status: criteria provided, single submitter. Criteria: GeneDx Variant Classification Process June 2021. Collection method: clinical testing. Allele origin: germline. Affected: yes.
Comment: Not observed at significant frequency in large population cohorts (gnomAD); In silico analysis indicates that this missense variant does not alter protein structure/function; Has not been previously published as pathogenic or benign to our knowledge

NM_032119.4(ADGRV1):c.2438G>A (p.Arg813Gln)

Gene: ADGRV1 (adhesion G protein-coupled receptor V1; plus strand). Cytogenetic location: 5q14.3.
Variant type: single nucleotide variant.
Coding change: c.2438G>A on transcript NM_032119.4 (MANE Select); coding-DNA position 2438, G replaced by A.
Protein change: p.Arg813Gln; replaces arginine 813 with glutamine.
Molecular consequence: missense variant. On other transcripts: non-coding transcript variant (1).
Genome position (GRCh38, 1-based): chr5:90,642,926, G>A. VCF-style: chr5-90642926-G-A. GRCh37 (hg19) VCF-style: chr5-89938743-G-A.
Other names: c.2438G>A (NM_032119.3); short protein forms R813Q.
Identifiers: ClinVar variation 1501475 (VCV001501475.11), dbSNP rs370189682, ClinGen allele CA121834379.